The following is an entry in ClinVar:

ClinVar aggregate classification (germline): Uncertain significance (1 of 4 stars; one submission).

Submission:

GeneDx
Classification: Uncertain significance. Last evaluated: 2026-02-15. Review status: criteria provided, single submitter. Criteria: GeneDx Variant Classification Process June 2021. Collection method: clinical testing. Allele origin: germline.
Comment: Not observed at significant frequency in large population cohorts (gnomAD); In silico analysis supports that this missense variant has a deleterious effect on protein structure/function; Has not been previously published as pathogenic or benign to our knowledge

NM_001099402.2(CCNK):c.826C>G (p.Pro276Ala)

Genes: CCDC85C (coiled-coil domain containing 85C; minus strand), CCNK (cyclin K; plus strand). Cytogenetic location: 14q32.2.
Variant type: single nucleotide variant.
Coding change: c.826C>G on transcript NM_001099402.2 (MANE Select); coding-DNA position 826, C replaced by G.
Protein change: p.Pro276Ala; replaces proline 276 with alanine.
Molecular consequence: missense variant. On other transcripts: 3 prime UTR variant (1).
Genome position (GRCh38, 1-based): chr14:99,502,799, C>G. VCF-style: chr14-99502799-C-G. GRCh37 (hg19) VCF-style: chr14-99969136-C-G.
Other names: c.*12447G>C (NM_001144995.2); short protein forms P276A.
Identifiers: ClinVar variation 5009601 (VCV005009601.1).